The following is an entry in ClinVar:

ClinVar aggregate classification (germline): Likely benign (1 of 4 stars; one submission).

gnomAD v4.1: 101 of 1,577,932 alleles (0.0064%); highest among the groups gnomAD compares: African/African-American, 0.086%; no homozygotes.

Submission:

CeGaT Center for Human Genetics Tuebingen
Classification: Likely benign. Last evaluated: 2026-02-01. Review status: criteria provided, single submitter. Criteria: CeGaT Center For Human Genetics Tuebingen Variant Classification Criteria Version 2. Collection method: clinical testing. Allele origin: germline. Affected: yes. Observed: 1 variant allele.
Comment: ADGRL1: BP4, BP7

NM_014921.5(ADGRL1):c.60G>A (p.Ser20=)

Gene: ADGRL1 (adhesion G protein-coupled receptor L1; minus strand). Cytogenetic location: 19p13.12.
Variant type: single nucleotide variant.
Coding change: c.60G>A on transcript NM_014921.5 (MANE Select); coding-DNA position 60, G replaced by A.
Protein change: p.Ser20=; no amino-acid change (serine 20 retained).
Molecular consequence: synonymous variant.
Genome position (GRCh38, 1-based): chr19:14,183,543, C>T on the plus strand (G>A on the coding strand, the complement: ADGRL1 is on the minus strand). VCF-style: chr19-14183543-C-T. GRCh37 (hg19) VCF-style: chr19-14294355-C-T.
Other names: c.60G>A, p.Ser20= (NM_001008701.3).
Identifiers: ClinVar variation 4821380 (VCV004821380.4).